The following is an entry in ClinVar:

NM_058004.4(PI4KA):c.3171C>T (p.Phe1057=)

Gene: PI4KA (phosphatidylinositol 4-kinase alpha; minus strand). Cytogenetic location: 22q11.21.
Variant type: single nucleotide variant.
Coding change: c.3171C>T on transcript NM_058004.4 (MANE Select); coding-DNA position 3171, C replaced by T.
Protein change: p.Phe1057=; no amino-acid change (phenylalanine 1057 retained).
Molecular consequence: synonymous variant.
Genome position (GRCh38, 1-based): chr22:20,749,977, G>A on the plus strand (C>T on the coding strand, the complement: PI4KA is on the minus strand). VCF-style: chr22-20749977-G-A. GRCh37 (hg19) VCF-style: chr22-21104265-G-A.
Other names: c.3171C>T, p.Phe1057= (NM_001362862.2); c.3105C>T, p.Phe1035= (NM_001362863.2).
Identifiers: ClinVar variation 4681387 (VCV004681387.5).

ClinVar aggregate classification (germline): Likely benign (1 of 4 stars; one submission).

gnomAD v4.1: 76 of 1,612,834 alleles (0.0047%); highest among the groups gnomAD compares: East Asian, 0.0067%; no homozygotes.

Submission:

CeGaT Center for Human Genetics Tuebingen
Classification: Likely benign. Last evaluated: 2025-12-01. Review status: criteria provided, single submitter. Criteria: CeGaT Center For Human Genetics Tuebingen Variant Classification Criteria Version 2. Collection method: clinical testing. Allele origin: germline. Affected: yes. Observed: 1 variant allele.
Comment: PI4KA: BP4, BP7